The following is an entry in ClinVar:

NM_006073.4(TRDN):c.542A>C (p.Glu181Ala)

Gene: TRDN (triadin; minus strand). Cytogenetic location: 6q22.31.
Variant type: single nucleotide variant.
Coding change: c.542A>C on transcript NM_006073.4 (MANE Select); coding-DNA position 542, A replaced by C.
Protein change: p.Glu181Ala; replaces glutamic acid 181 with alanine.
Molecular consequence: missense variant.
Genome position (GRCh38, 1-based): chr6:123,516,149, T>G on the plus strand (A>C on the coding strand, the complement: TRDN is on the minus strand). VCF-style: chr6-123516149-T-G. GRCh37 (hg19) VCF-style: chr6-123837294-T-G.
Other names: c.542A>C, p.Glu181Ala (NM_001407315.1, NM_001251987.2, NM_001256020.2 and 1 more transcripts); short protein forms E181A.
Identifiers: ClinVar variation 1747481 (VCV001747481.7), dbSNP rs952182371, ClinGen allele CA147290172.

ClinVar aggregate classification (germline): Uncertain significance. Review status: criteria provided, multiple submitters, no conflicts (2 of 4 stars). 2 submissions from 2 submitters: Uncertain significance (2). Last evaluated 2025-10-27.

Conditions:
Catecholaminergic polymorphic ventricular tachycardia 1. Also called: VENTRICULAR TACHYCARDIA, CATECHOLAMINERGIC POLYMORPHIC, 1, WITH OR WITHOUT ATRIAL DYSFUNCTION AND/OR DILATED CARDIOMYOPATHY; VENTRICULAR TACHYCARDIA, STRESS-INDUCED POLYMORPHIC 1; RYR2-Related Catecholaminergic Polymorphic Ventricular Tachycardia. Identifiers: Orphanet 3286, MedGen C1631597, MONDO:0011484, OMIM 604772.
Cardiovascular phenotype. Identifiers: MedGen CN230736.

Allele frequency attached by ClinVar (database versions not stated): gnomAD exomes 0.00002; TOPMed 0.00002; gnomAD 0.00004.
gnomAD v4.1: 35 of 1,491,680 alleles (0.0023%); highest among the groups gnomAD compares: Non-Finnish European, 0.003%; no homozygotes.

Submissions (2):

Ambry Genetics
Classification: Uncertain significance for Cardiovascular phenotype. Last evaluated: 2025-10-27. Review status: criteria provided, single submitter. Criteria: Ambry Variant Classification Scheme 2023. Collection method: clinical testing. Allele origin: germline.
Comment: The p.E181A variant (also known as c.542A>C), located in coding exon 6 of the TRDN gene, results from an A to C substitution at nucleotide position 542. The glutamic acid at codon 181 is replaced by alanine, an amino acid with dissimilar properties. This amino acid position is well conserved in available vertebrate species. In addition, this alteration is predicted to be tolerated by in silico analysis. Since supporting evidence is limited at this time, the clinical significance of this alteration remains unclear.

Labcorp Genetics (formerly Invitae), Labcorp
Classification: Uncertain significance for Catecholaminergic polymorphic ventricular tachycardia 1. Last evaluated: 2025-01-28. Review status: criteria provided, single submitter. Criteria: Invitae Variant Classification Sherloc (09022015). Collection method: clinical testing. Allele origin: germline.
Comment: This sequence change replaces glutamic acid, which is acidic and polar, with alanine, which is neutral and non-polar, at codon 181 of the TRDN protein (p.Glu181Ala). The frequency data for this variant in the population databases is considered unreliable, as metrics indicate poor data quality at this position in the gnomAD database. This variant has not been reported in the literature in individuals affected with TRDN-related conditions. ClinVar contains an entry for this variant (Variation ID: 1747481). Invitae Evidence Modeling of protein sequence and biophysical properties (such as structural, functional, and spatial information, amino acid conservation, physicochemical variation, residue mobility, and thermodynamic stability) indicates that this missense variant is not expected to disrupt TRDN protein function with a negative predictive value of 80%. In summary, the available evidence is currently insufficient to determine the role of this variant in disease. Therefore, it has been classified as a Variant of Uncertain Significance.